The following is an entry in ClinVar:

NM_001267550.2(TTN):c.87877C>T (p.Arg29293Cys)

Genes: TTN (titin; minus strand), TTN-AS1 (TTN antisense RNA 1; plus strand). Cytogenetic location: 2q31.2.
Variant type: single nucleotide variant.
Coding change: c.87877C>T on transcript NM_001267550.2 (MANE Select); coding-DNA position 87877, C replaced by T.
Protein change: p.Arg29293Cys; replaces arginine 29293 with cysteine.
Molecular consequence: missense variant.
Genome position (GRCh38, 1-based): chr2:178,557,385, G>A on the plus strand (C>T on the coding strand, the complement: TTN is on the minus strand). VCF-style: chr2-178557385-G-A. GRCh37 (hg19) VCF-style: chr2-179422112-G-A.
Other names: p.R27652C:CGC>TGC; p.Arg27652Cys; c.82954C>T, p.Arg27652Cys (NM_001256850.1); c.80173C>T, p.Arg26725Cys (NM_133378.4); c.60682C>T, p.Arg20228Cys (NM_003319.4); c.61057C>T, p.Arg20353Cys (NM_133432.3); c.61258C>T, p.Arg20420Cys (NM_133437.4); c.87877C>T (NM_001267550.1); short protein forms R29293C, R26725C, R27652C, R20228C, R20353C, R20420C.
Identifiers: ClinVar variation 47470 (VCV000047470.70), dbSNP rs191482653, ClinGen allele CA141107.

ClinVar aggregate classification (germline): Benign/Likely benign. Review status: criteria provided, multiple submitters, no conflicts (2 of 4 stars). 28 submissions from 21 submitters: Benign (15); Likely benign (9). 4 of the submissions do not count toward it. Last evaluated 2026-02-04.

Conditions:
Atrial fibrillation. Identifiers: MedGen C0004238, MONDO:0004981, HP:0005110.
Ventricular tachycardia. Identifiers: MedGen C0042514, MONDO:0005477, HP:0004756.
Cardiovascular phenotype. Identifiers: MedGen CN230736.
Dilated cardiomyopathy 1G (CMD1G). Identifiers: Orphanet 154, MedGen C1858763, MONDO:0011400, OMIM 604145.
Autosomal recessive limb-girdle muscular dystrophy type 2J (LGMDR10). Also called: Limb-girdle muscular dystrophy, type 2J; MUSCULAR DYSTROPHY, LIMB-GIRDLE, AUTOSOMAL RECESSIVE 10. Identifiers: Orphanet 140922, MedGen C1837342, MONDO:0012127, OMIM 608807.
Myopathy, myofibrillar, 9, with early respiratory failure (MFM9). Also called: Hereditary myopathy with early respiratory failure; Myopathy, distal, with early respiratory failure, autosomal dominant; EDSTROM MYOPATHY; MYOPATHY, PROXIMAL, WITH EARLY RESPIRATORY MUSCLE INVOLVEMENT. Identifiers: Orphanet 178464, Orphanet 34521, MedGen C1863599, MONDO:0011362, OMIM 603689.
Tibial muscular dystrophy (TMD). Also called: Udd Distal Myopathy – Tibial Muscular Dystrophy; Tibial muscular dystrophy, tardive; UDD MYOPATHY. Identifiers: Orphanet 609, MedGen C1838244, MONDO:0010870, OMIM 600334.
Early-onset myopathy with fatal cardiomyopathy (CMYO5). Also called: Salih Myopathy; CONGENITAL MYOPATHY 5 WITH CARDIOMYOPATHY. Identifiers: Orphanet 289377, MedGen C2673677, MONDO:0012714, OMIM 611705. Disease mechanism: loss of function.
Hypertrophic cardiomyopathy 9. Also called: Familial hypertrophic cardiomyopathy 9. Identifiers: MedGen C1861065, MONDO:0013412, OMIM 613765.
Cardiomyopathy (CMYO). Also called: Cardiomyopathies. Identifiers: Orphanet 167848, MedGen C0878544, MONDO:0004994, HP:0001638. Inheritance: Various modes of inheritance.

Allele frequency attached by ClinVar (database versions not stated): ESP Exome Variant Server 0.00008; gnomAD 0.00057 and 0.00075; gnomAD exomes 0.00061 and 0.00200; TOPMed 0.00111; ExAC 0.00184; 1000 Genomes Project 30x 0.00312; 1000 Genomes Project 0.00319.
gnomAD v4.1: 1,083 of 1,613,896 alleles (0.067%); highest among the groups gnomAD compares: East Asian, 1.9%; 18 homozygotes.

Submissions (28):

Labcorp Genetics (formerly Invitae), Labcorp
Classification: Benign for Dilated cardiomyopathy 1G; Autosomal recessive limb-girdle muscular dystrophy type 2J. Last evaluated: 2026-02-04. Review status: criteria provided, single submitter. Criteria: Invitae Variant Classification Sherloc (09022015). Collection method: clinical testing. Allele origin: germline.

CeGaT Center for Human Genetics Tuebingen
Classification: Benign. Last evaluated: 2025-07-01. Review status: criteria provided, single submitter. Criteria: CeGaT Center For Human Genetics Tuebingen Variant Classification Criteria Version 2. Collection method: clinical testing. Allele origin: germline. Affected: yes. Observed: 3 variant alleles.
Comment: TTN: BS1, BS2

Mayo Clinic Laboratories, Mayo Clinic
Classification: Benign. Last evaluated: 2024-12-17. Review status: criteria provided, single submitter. Criteria: ACMG Guidelines, 2015. Collection method: clinical testing. Allele origin: germline. Observed: 5 variant alleles.
Comment: BS1, BS2

Blueprint Genetics
Classification: Likely benign. Last evaluated: 2024-11-11. Review status: criteria provided, single submitter. Criteria: ACMG Guidelines, 2015. Collection method: clinical testing. Allele origin: germline.

Women's Health and Genetics/Laboratory Corporation of America, LabCorp
Classification: Likely benign. Last evaluated: 2022-07-02. Review status: criteria provided, single submitter. Criteria: LabCorp Variant Classification Summary - May 2015. Collection method: clinical testing. Allele origin: germline.

Fulgent Genetics
Classification: Benign for Tibial muscular dystrophy; Myopathy, myofibrillar, 9, with early respiratory failure; Dilated cardiomyopathy 1G; Autosomal recessive limb-girdle muscular dystrophy type 2J; Early-onset myopathy with fatal cardiomyopathy; Hypertrophic cardiomyopathy 9. Last evaluated: 2022-05-10. Review status: criteria provided, single submitter. Criteria: ACMG Guidelines, 2015. Collection method: clinical testing. Allele origin: unknown.

Genome-Nilou Lab
Classification: Benign for Autosomal recessive limb-girdle muscular dystrophy type 2J. Last evaluated: 2021-09-10. Review status: criteria provided, single submitter. Criteria: ACMG Guidelines, 2015. Collection method: clinical testing. Allele origin: germline. Affected: no.

Genome-Nilou Lab
Classification: Benign for Myopathy, myofibrillar, 9, with early respiratory failure. Last evaluated: 2021-09-10. Review status: criteria provided, single submitter. Criteria: ACMG Guidelines, 2015. Collection method: clinical testing. Allele origin: germline. Affected: no.

Genome-Nilou Lab
Classification: Benign for Early-onset myopathy with fatal cardiomyopathy. Last evaluated: 2021-09-10. Review status: criteria provided, single submitter. Criteria: ACMG Guidelines, 2015. Collection method: clinical testing. Allele origin: germline. Affected: no.

Genome-Nilou Lab
Classification: Benign for Tibial muscular dystrophy. Last evaluated: 2021-09-10. Review status: criteria provided, single submitter. Criteria: ACMG Guidelines, 2015. Collection method: clinical testing. Allele origin: germline. Affected: no.

Athena Diagnostics
Classification: Benign. Last evaluated: 2021-06-07. Review status: criteria provided, single submitter. Criteria: Athena Diagnostics criteria. Collection method: clinical testing. Allele origin: unknown.

Center for Advanced Laboratory Medicine, UC San Diego Health, University of California San Diego
Classification: Benign for Ventricular tachycardia; Atrial fibrillation. Last evaluated: 2019-04-01. Review status: criteria provided, single submitter. Criteria: ACMG Guidelines, 2015. Collection method: clinical testing. Allele origin: germline. Affected: yes. Observed: 3 variant alleles.

Illumina Laboratory Services, Illumina
Classification: Likely benign for Early-onset myopathy with fatal cardiomyopathy. Last evaluated: 2018-01-13. Review status: criteria provided, single submitter. Criteria: ICSL Variant Classification Criteria 13 December 2019. Collection method: clinical testing. Allele origin: germline.
Comment: This variant was observed in the ICSL laboratory as part of a predisposition screen in an ostensibly healthy population. It had not been previously curated by ICSL or reported in the Human Gene Mutation Database (HGMD: prior to June 1st, 2018), and was therefore a candidate for classification through an automated scoring system. Utilizing variant allele frequency, disease prevalence and penetrance estimates, and inheritance mode, an automated score was calculated to assess if this variant is too frequent to cause the disease. Based on the score and internal cut-off values, a variant classified as likely benign is not then subjected to further curation. The score for this variant resulted in a classification of likely benign for this disease.

Illumina Laboratory Services, Illumina
Classification: Benign for Myopathy, myofibrillar, 9, with early respiratory failure. Last evaluated: 2018-01-13. Review status: criteria provided, single submitter. Criteria: ICSL Variant Classification Criteria 13 December 2019. Collection method: clinical testing. Allele origin: germline.
Comment: This variant was observed in the ICSL laboratory as part of a predisposition screen in an ostensibly healthy population. It had not been previously curated by ICSL or reported in the Human Gene Mutation Database (HGMD: prior to June 1st, 2018), and was therefore a candidate for classification through an automated scoring system. Utilizing variant allele frequency, disease prevalence and penetrance estimates, and inheritance mode, an automated score was calculated to assess if this variant is too frequent to cause the disease. Based on the score and internal cut-off values, a variant classified as benign is not then subjected to further curation. The score for this variant resulted in a classification of benign for this disease.

Illumina Laboratory Services, Illumina
Classification: Likely benign for Dilated cardiomyopathy 1G. Last evaluated: 2018-01-13. Review status: criteria provided, single submitter. Criteria: ICSL Variant Classification Criteria 13 December 2019. Collection method: clinical testing. Allele origin: germline.
Comment: the same text as in the submission from Illumina Laboratory Services, Illumina above.

Illumina Laboratory Services, Illumina
Classification: Likely benign for Autosomal recessive limb-girdle muscular dystrophy type 2J. Last evaluated: 2018-01-13. Review status: criteria provided, single submitter. Criteria: ICSL Variant Classification Criteria 13 December 2019. Collection method: clinical testing. Allele origin: germline.
Comment: the same text as in the submission from Illumina Laboratory Services, Illumina above.

Illumina Laboratory Services, Illumina
Classification: Benign for Tibial muscular dystrophy. Last evaluated: 2018-01-13. Review status: criteria provided, single submitter. Criteria: ICSL Variant Classification Criteria 13 December 2019. Collection method: clinical testing. Allele origin: germline.
Comment: the same text as in the submission from Illumina Laboratory Services, Illumina above.

CHEO Genetics Diagnostic Laboratory, Children's Hospital of Eastern Ontario
Classification: Benign for Cardiomyopathy. Last evaluated: 2018-01-12. Review status: criteria provided, single submitter. Criteria: ACMG Guidelines, 2015. Collection method: clinical testing. Allele origin: germline.

GeneDx
Classification: Benign. Last evaluated: 2016-11-01. Review status: criteria provided, single submitter. Criteria: GeneDx Variant Classification (06012015). Collection method: clinical testing. Allele origin: germline. Affected: yes.
Comment: This variant is considered likely benign or benign based on one or more of the following criteria: it is a conservative change, it occurs at a poorly conserved position in the protein, it is predicted to be benign by multiple in silico algorithms, and/or has population frequency not consistent with disease.

Genetic Services Laboratory, University of Chicago
Classification: Likely benign. Last evaluated: 2015-01-22. Review status: criteria provided, single submitter. Criteria: ACMG Guidelines, 2015. Collection method: clinical testing. Allele origin: germline.

Eurofins Ntd Llc (ga)
Classification: Benign. Last evaluated: 2014-11-23. Review status: criteria provided, single submitter. Criteria: EGL Classification Definitions 2015. Collection method: clinical testing. Allele origin: germline. Observed: 1 variant allele, 1 heterozygote.

Ambry Genetics
Classification: Likely benign for Cardiovascular phenotype. Last evaluated: 2013-05-24. Review status: criteria provided, single submitter. Criteria: Ambry Autosomal Dominant and X-Linked criteria (10/2015). Collection method: clinical testing. Allele origin: germline. Observed: 1 variant allele.

Laboratory for Molecular Medicine, Mass General Brigham Personalized Medicine
Classification: Likely benign. Last evaluated: 2012-08-13. Review status: criteria provided, single submitter. Criteria: LMM Criteria. Collection method: clinical testing. Allele origin: germline. Observed: 3 variant alleles.
Comment: Arg26725Cys variant in exon 278 of TTN: This variant is not expected to have cli nical significance because it has been identified in 1.3% (5/394) of Han Chinese chromosomes from a broad population by the 1000 Genomes project (dbSNP rs191482 653). Arg26725Cys variant in exon 278 of TTN (rs191482653; allele frequency = 1 .3%, 5/394)

Breakthrough Genomics
Classification: Likely benign. Review status: criteria provided, single submitter. Criteria: ACMG Guidelines, 2015. Collection method: not provided. Allele origin: germline. Inheritance: Autosomal recessive inheritance. Affected: yes.

Clinical Genetics DNA and cytogenetics Diagnostics Lab, Erasmus MC, Erasmus Medical Center
Classification: Benign. Review status: no assertion criteria provided. Collection method: clinical testing. Allele origin: germline. Affected: yes. Study: VKGL Data-share Consensus. Not counted in ClinVar's aggregate classification.

Clinical Genetics, Academic Medical Center
Classification: Benign. Review status: no assertion criteria provided. Collection method: clinical testing. Allele origin: germline. Affected: yes. Study: VKGL Data-share Consensus. Not counted in ClinVar's aggregate classification.

Genome Diagnostics Laboratory, University Medical Center Utrecht
Classification: Benign. Review status: no assertion criteria provided. Collection method: clinical testing. Allele origin: germline. Affected: yes. Study: VKGL Data-share Consensus. Not counted in ClinVar's aggregate classification.

Joint Genome Diagnostic Labs from Nijmegen and Maastricht, Radboudumc and MUMC+
Classification: Likely benign. Review status: no assertion criteria provided. Collection method: clinical testing. Allele origin: germline. Affected: yes. Study: VKGL Data-share Consensus. Not counted in ClinVar's aggregate classification.

Literature cited by the submitters: PubMed 27066551 (cited by Athena Diagnostics); PubMed 17344846 (cited by Athena Diagnostics); PubMed 26597493 (cited by Athena Diagnostics); PubMed 24503780 (cited by Athena Diagnostics); PubMed 23861362 (cited by Eurofins Ntd Llc (ga)).